The following is an entry in ClinVar:

ClinVar aggregate classification (germline): Conflicting classifications of pathogenicity. Review status: criteria provided, conflicting classifications (1 of 4 stars). 3 submissions from 3 submitters: Uncertain significance (2); Likely benign (1). Last evaluated 2026-01-01.

Conditions:
Inborn genetic diseases. Identifiers: MedGen C0950123, MeSH D030342.

Allele frequency attached by ClinVar (database versions not stated): ExAC 0.00002.
gnomAD v4.1: 5 of 1,613,160 alleles (0.00031%); highest among the groups gnomAD compares: Admixed American, 0.0067%; no homozygotes.

Submissions (3):

CeGaT Center for Human Genetics Tuebingen
Classification: Uncertain significance. Last evaluated: 2026-01-01. Review status: criteria provided, single submitter. Criteria: CeGaT Center For Human Genetics Tuebingen Variant Classification Criteria Version 2. Collection method: clinical testing. Allele origin: germline. Affected: yes. Observed: 1 variant allele.

Labcorp Genetics (formerly Invitae), Labcorp
Classification: Uncertain significance. Last evaluated: 2025-10-02. Review status: criteria provided, single submitter. Criteria: Invitae Variant Classification Sherloc (09022015). Collection method: clinical testing. Allele origin: germline.
Comment: This sequence change replaces threonine, which is neutral and polar, with arginine, which is basic and polar, at codon 163 of the KMT2A protein (p.Thr163Arg). This variant is present in population databases (rs782438210, gnomAD 0.009%). This variant has not been reported in the literature in individuals affected with KMT2A-related conditions. ClinVar contains an entry for this variant (Variation ID: 2991374). Invitae Evidence Modeling of protein sequence and biophysical properties (such as structural, functional, and spatial information, amino acid conservation, physicochemical variation, residue mobility, and thermodynamic stability) indicates that this missense variant is not expected to disrupt KMT2A protein function with a negative predictive value of 95%. In summary, the available evidence is currently insufficient to determine the role of this variant in disease. Therefore, it has been classified as a Variant of Uncertain Significance.

Ambry Genetics
Classification: Likely benign for Inborn genetic diseases. Last evaluated: 2025-03-22. Review status: criteria provided, single submitter. Criteria: Ambry Variant Classification Scheme 2023. Collection method: clinical testing. Allele origin: germline.

NM_001197104.2(KMT2A):c.488C>G (p.Thr163Arg)

Gene: KMT2A (lysine methyltransferase 2A; plus strand). Cytogenetic location: 11q23.3.
Variant type: single nucleotide variant.
Coding change: c.488C>G on transcript NM_001197104.2 (MANE Select); coding-DNA position 488, C replaced by G.
Protein change: p.Thr163Arg; replaces threonine 163 with arginine.
Molecular consequence: missense variant.
Genome position (GRCh38, 1-based): chr11:118,468,830, C>G. VCF-style: chr11-118468830-C-G. GRCh37 (hg19) VCF-style: chr11-118339545-C-G.
Other names: c.587C>G, p.Thr196Arg (NM_001412597.1); c.488C>G, p.Thr163Arg (NM_005933.4); short protein forms T163R, T196R.
Identifiers: ClinVar variation 2991374 (VCV002991374.8), dbSNP rs782438210, ClinGen allele CA6303299.